The following is an entry in ClinVar:

NM_001160148.2(DDHD1):c.273C>T (p.Phe91=)

Gene: DDHD1 (DDHD domain containing 1; minus strand). Cytogenetic location: 14q22.1.
Variant type: single nucleotide variant.
Coding change: c.273C>T on transcript NM_001160148.2 (MANE Select); coding-DNA position 273, C replaced by T.
Protein change: p.Phe91=; no amino-acid change (phenylalanine 91 retained).
Molecular consequence: synonymous variant.
Genome position (GRCh38, 1-based): chr14:53,152,826, G>A on the plus strand (C>T on the coding strand, the complement: DDHD1 is on the minus strand). VCF-style: chr14-53152826-G-A. GRCh37 (hg19) VCF-style: chr14-53619544-G-A.
Other names: p.Phe91=; c.273C>T, p.Phe91= (NM_001160147.2, NM_030637.3).
Identifiers: ClinVar variation 379960 (VCV000379960.20), dbSNP rs2358189, ClinGen allele CA7191552.
Genomic context (GRCh38, chr14:53,152,826, plus strand): 5'-GCCGCCGCCGCTCTCACCCTCGCTGTAGTAGCGCAGCGAGGAGCCCGACTCGGCGGAGCT[G>A]AAGTCATAGTTCTCGTCACTGAGGCAGGGGTCCAGCGCGAGGTGGTGGTTGTGGTCGTCG-3'
Protein context (NP_001153620.1, residues 81-101): DPCLSDENYD[Phe91=]SSAESGSSLR

ClinVar aggregate classification (germline): Benign. Review status: criteria provided, multiple submitters, no conflicts (2 of 4 stars). 7 submissions from 7 submitters: Benign (5). 2 of the submissions do not count toward it. Last evaluated 2026-02-04.

Conditions:
Hereditary spastic paraplegia 28. Also called: Spastic paraplegia 28, autosomal recessive. Identifiers: Orphanet 101008, MedGen C1836295, MONDO:0012256, OMIM 609340.

Allele frequency attached by ClinVar (database versions not stated): ESP Exome Variant Server 0.70383; TOPMed 0.71385; gnomAD 0.72157 and 0.73234; 1000 Genomes Project 30x 0.74047; 1000 Genomes Project 0.75040; gnomAD exomes 0.83398.
gnomAD v4.1: 1,327,840 of 1,611,876 alleles (82%); highest among the groups gnomAD compares: East Asian, 96%; 554,191 homozygotes.

Submissions (7):

Labcorp Genetics (formerly Invitae), Labcorp
Classification: Benign for Hereditary spastic paraplegia 28. Last evaluated: 2026-02-04. Review status: criteria provided, single submitter. Criteria: Invitae Variant Classification Sherloc (09022015). Collection method: clinical testing. Allele origin: germline.

Genome-Nilou Lab
Classification: Benign for Hereditary spastic paraplegia 28. Last evaluated: 2021-07-30. Review status: criteria provided, single submitter. Criteria: ACMG Guidelines, 2015. Collection method: clinical testing. Allele origin: germline. Affected: no.

Mayo Clinic Laboratories, Mayo Clinic
Classification: Benign. Last evaluated: 2017-07-18. Review status: criteria provided, single submitter. Criteria: ACMG Guidelines, 2015. Collection method: clinical testing. Allele origin: germline. Observed: 1,523 variant alleles.

GeneDx
Classification: Benign. Last evaluated: 2015-12-02. Review status: criteria provided, single submitter. Criteria: GeneDx Variant Classification (06012015). Collection method: clinical testing. Allele origin: germline. Affected: yes.
Comment: This variant is considered likely benign or benign based on one or more of the following criteria: it is a conservative change, it occurs at a poorly conserved position in the protein, it is predicted to be benign by multiple in silico algorithms, and/or has population frequency not consistent with disease.

Breakthrough Genomics
Classification: Benign. Review status: criteria provided, single submitter. Criteria: ACMG Guidelines, 2015. Collection method: not provided. Allele origin: germline. Inheritance: Autosomal recessive inheritance. Affected: yes.

Diagnostic Laboratory, Department of Genetics, University Medical Center Groningen
Classification: Benign. Review status: no assertion criteria provided. Collection method: clinical testing. Allele origin: germline. Affected: yes. Study: VKGL Data-share Consensus. Not counted in ClinVar's aggregate classification.

Joint Genome Diagnostic Labs from Nijmegen and Maastricht, Radboudumc and MUMC+
Classification: Benign. Review status: no assertion criteria provided. Collection method: clinical testing. Allele origin: germline. Affected: yes. Study: VKGL Data-share Consensus. Not counted in ClinVar's aggregate classification.